The following is an entry in ClinVar:

ClinVar aggregate classification (germline): Uncertain significance (1 of 4 stars; one submission).

Conditions:
Gastrointestinal stromal tumor. Also called: Gastrointestinal stroma tumor; Gastrointestinal stromal tumor, somatic. Identifiers: Orphanet 44890, MedGen C0238198, MeSH D046152, MONDO:0011719, OMIM 606764, HP:0100723.

Submission:

Labcorp Genetics (formerly Invitae), Labcorp
Classification: Uncertain significance for Gastrointestinal stromal tumor. Last evaluated: 2021-02-05. Review status: criteria provided, single submitter. Criteria: Invitae Variant Classification Sherloc (09022015). Collection method: clinical testing. Allele origin: germline.
Comment: In summary, the available evidence is currently insufficient to determine the role of this variant in disease. Therefore, it has been classified as a Variant of Uncertain Significance. Algorithms developed to predict the effect of missense changes on protein structure and function are either unavailable or do not agree on the potential impact of this missense change (SIFT: "Deleterious"; PolyPhen-2: "Possibly Damaging"; Align-GVGD: "Class C0"). This variant has not been reported in the literature in individuals with KIT-related conditions. This variant is not present in population databases (ExAC no frequency). This sequence change replaces isoleucine with methionine at codon 957 of the KIT protein (p.Ile957Met). The isoleucine residue is moderately conserved and there is a small physicochemical difference between isoleucine and methionine.

NM_000222.3(KIT):c.2871C>G (p.Ile957Met)

Gene: KIT (KIT proto-oncogene, receptor tyrosine kinase; plus strand). Cytogenetic location: 4q12.
Variant type: single nucleotide variant.
Coding change: c.2871C>G on transcript NM_000222.3 (MANE Select); coding-DNA position 2871, C replaced by G.
Protein change: p.Ile957Met; replaces isoleucine 957 with methionine.
Molecular consequence: missense variant.
Genome position (GRCh38, 1-based): chr4:54,738,497, C>G. VCF-style: chr4-54738497-C-G. GRCh37 (hg19) VCF-style: chr4-55604663-C-G.
Other names: c.2859C>G, p.Ile953Met (NM_001093772.2, NM_001385292.1); c.2874C>G, p.Ile958Met (NM_001385284.1); c.2868C>G, p.Ile956Met (NM_001385285.1); c.2856C>G, p.Ile952Met (NM_001385286.1); c.2862C>G, p.Ile954Met (NM_001385288.1); c.2871C>G, p.Ile957Met (NM_001385290.1); short protein forms I957M, I958M, I953M, I952M, I954M, I956M.
Identifiers: ClinVar variation 1467558 (VCV001467558.8), dbSNP rs1578009941, ClinGen allele CA356916278.